The following is an entry in ClinVar:

ClinVar aggregate classification (germline): Uncertain significance (1 of 4 stars; one submission).

Conditions:
Fliedner-Zweier syndrome (FZS). Identifiers: MedGen C5882693, MONDO:0957787, OMIM 620511.

Submission:

Dasa
Classification: Uncertain significance for Fliedner-Zweier syndrome. Last evaluated: 2025-11-27. Review status: criteria provided, single submitter. Criteria: DASA Assertion Criteria. Collection method: clinical testing. Allele origin: germline.
Comment: NM_020706.2(SCAF4):c.2167C>G (p.Pro723Ala) is a missense variant that results in the substitution of proline with alanine. This variant is absent from population databases. The currently available literature and clinical evidence are not sufficient to establish a definitive association between this variant and the reported condition. Therefore, this variant is classified as a variant of uncertain significance.

NM_020706.2(SCAF4):c.2167C>G (p.Pro723Ala)

Gene: SCAF4 (SR-related CTD associated factor 4; minus strand). Cytogenetic location: 21q22.11.
Variant type: single nucleotide variant.
Coding change: c.2167C>G on transcript NM_020706.2 (MANE Select); coding-DNA position 2167, C replaced by G.
Protein change: p.Pro723Ala; replaces proline 723 with alanine.
Molecular consequence: missense variant.
Genome position (GRCh38, 1-based): chr21:31,685,610, G>C on the plus strand (C>G on the coding strand, the complement: SCAF4 is on the minus strand). VCF-style: chr21-31685610-G-C. GRCh37 (hg19) VCF-style: chr21-33057923-G-C.
Other names: c.2122C>G, p.Pro708Ala (NM_001145444.1); c.2167C>G, p.Pro723Ala (NM_001145445.1); short protein forms P708A, P723A.
Identifiers: ClinVar variation 4883762 (VCV004883762.2).